The following is an entry in ClinVar:

ClinVar aggregate classification (germline): Benign (1 of 4 stars; one submission).

Allele frequency attached by ClinVar (database versions not stated): ExAC 0.16476.

Submission:

GeneDx
Classification: Benign. Last evaluated: 2012-10-26. Review status: criteria provided, single submitter. Criteria: GeneDx Variant Classification (06012015). Collection method: clinical testing. Allele origin: germline. Affected: yes.
Comment: This variant is considered likely benign or benign based on one or more of the following criteria: it is a conservative change, it occurs at a poorly conserved position in the protein, it is predicted to be benign by multiple in silico algorithms, and/or has population frequency not consistent with disease.

NM_001267550.2(TTN):c.88851C>G (p.Gly29617=)

Genes: TTN-AS1 (TTN antisense RNA 1; plus strand), TTN (titin; minus strand). Cytogenetic location: 2q31.2.
Variant type: single nucleotide variant.
Coding change: c.88851C>G on transcript NM_001267550.2 (MANE Select); coding-DNA position 88851, C replaced by G.
Protein change: p.Gly29617=; no amino-acid change (glycine 29617 retained).
Molecular consequence: synonymous variant.
Genome position (GRCh38, 1-based): chr2:178,554,496, G>C on the plus strand (C>G on the coding strand, the complement: TTN is on the minus strand). VCF-style: chr2-178554496-G-C. GRCh37 (hg19) VCF-style: chr2-179419223-G-C.
Other names: p.G27049G:GGC>GGG; c.83928C>G, p.Gly27976= (NM_001256850.1); c.61656C>G, p.Gly20552= (NM_003319.4); c.81147C>G, p.Gly27049= (NM_133378.4); c.62031C>G, p.Gly20677= (NM_133432.3); c.62232C>G, p.Gly20744= (NM_133437.4).
Identifiers: ClinVar variation 137811 (VCV000137811.1), dbSNP rs201241167, ClinGen allele CA291478.